The following is an entry in ClinVar:

NM_025114.4(CEP290):c.2213T>G (p.Leu738Ter)

Gene: CEP290 (centrosomal protein 290; minus strand). Cytogenetic location: 12q21.32.
Variant type: single nucleotide variant.
Coding change: c.2213T>G on transcript NM_025114.4 (MANE Select); coding-DNA position 2213, T replaced by G.
Protein change: p.Leu738Ter; replaces leucine 738 with a stop codon.
Molecular consequence: nonsense.
Genome position (GRCh38, 1-based): chr12:88,111,698, A>C on the plus strand (T>G on the coding strand, the complement: CEP290 is on the minus strand). VCF-style: chr12-88111698-A-C. GRCh37 (hg19) VCF-style: chr12-88505475-A-C.
Other names: short protein forms L738*.
Identifiers: ClinVar variation 5013098 (VCV005013098.1).
Genomic context (GRCh38, chr12:88,111,698, plus strand): 5'-CTATTAAATCTACATTCTTATGTTTAGCATTTTCTTTTATTTAATAAAATTCTCACCTTT[A>C]AATTAGCTTTTGCCAACTGCTGTGAATAATTTATAGCCTCTTTCCGAGATTCCCTGAGCT-3'

ClinVar aggregate classification (germline): Pathogenic (1 of 4 stars; one submission).

Conditions:
CEP290-related ciliopathy. Also called: CEP290 ciliopathy. Identifiers: MedGen CN305601, MONDO:0100451.

Submission:

Myriad Genetics, Inc.
Classification: Pathogenic for CEP290-related ciliopathy. Last evaluated: 2024-05-23. Review status: criteria provided, single submitter. Criteria: Myriad Autosomal Dominant, Autosomal Recessive and X-Linked Classification Criteria (2023). Collection method: clinical testing. Allele origin: unknown.
Comment: NM_025114.3(CEP290):c.2213T>G(L738*) is expected to be pathogenic in the context of CEP290-related disorders. This variant is predicted to lead to an abnormal or absent protein product due to the creation of a premature termination codon in CEP290, a gene where loss-of-function variants are known to be pathogenic. Please note: this variant was assessed in the context of healthy population screening.